The following is an entry in ClinVar:

NM_001042492.3(NF1):c.5730del (p.Ile1911fs)

Gene: NF1 (neurofibromin 1; plus strand). Cytogenetic location: 17q11.2.
Variant type: Deletion.
Coding change: c.5730del on transcript NM_001042492.3 (MANE Select); coding-DNA position 5730, one base deleted (T; older notation c.5730delT).
Protein change: p.Ile1911fs; shifts the reading frame from isoleucine 1911.
Molecular consequence: frameshift variant.
Genome position (GRCh38, 1-based): chr17:31,330,416, T deleted. VCF-style (leftmost placement, unchanged base first): chr17-31330415-CT-C. GRCh37 (hg19) VCF-style: chr17-29657433-CT-C.
Other names: c.5667delT, p.Ile1890Leufs (NM_000267.4); short protein forms I1890fs, I1911fs.
Identifiers: ClinVar variation 2032781 (VCV002032781.4), dbSNP rs2508718827, ClinGen allele CA2580093381.

ClinVar aggregate classification (germline): Pathogenic (1 of 4 stars; one submission).

Conditions:
Neurofibromatosis, type 1 (NF1). Also called: VON RECKLINGHAUSEN DISEASE; NEUROFIBROMATOSIS, TYPE I, SOMATIC; Neurofibromatosis, type I; Peripheral type neurofibromatosis. Identifiers: Orphanet 636, MedGen C0027831, MONDO:0018975, OMIM 162200. Disease mechanism: loss of function.

Submission:

Labcorp Genetics (formerly Invitae), Labcorp
Classification: Pathogenic for Neurofibromatosis, type 1. Last evaluated: 2022-09-27. Review status: criteria provided, single submitter. Criteria: Invitae Variant Classification Sherloc (09022015). Collection method: clinical testing. Allele origin: germline.
Comment: This sequence change creates a premature translational stop signal (p.Ile1890Leufs*14) in the NF1 gene. It is expected to result in an absent or disrupted protein product. Loss-of-function variants in NF1 are known to be pathogenic (PMID: 10712197, 23913538). This variant is not present in population databases (gnomAD no frequency). This variant has not been reported in the literature in individuals affected with NF1-related conditions. Algorithms developed to predict the effect of sequence changes on RNA splicing suggest that this variant may disrupt the consensus splice site. For these reasons, this variant has been classified as Pathogenic.

Literature cited by the submitters: PubMed 10712197; PubMed 23913538.